The following is an entry in ClinVar:

ClinVar aggregate classification (germline): Uncertain significance. Review status: criteria provided, multiple submitters, no conflicts (2 of 4 stars). 2 submissions from 2 submitters: Uncertain significance (2). Last evaluated 2026-09-24.

Conditions:
SEMA3G-related disorder. Also called: SEMA3G-related condition.

Allele frequency attached by ClinVar (database versions not stated): ExAC 0.00003; gnomAD 0.00004; TOPMed 0.00004.
gnomAD v4.1: 82 of 1,613,598 alleles (0.0051%); highest among the groups gnomAD compares: Middle Eastern, 0.016%; no homozygotes.

Submissions (2):

PreventionGenetics, part of Exact Sciences
Classification: Uncertain significance for SEMA3G-related condition. Last evaluated: 2026-09-24. Review status: criteria provided, single submitter. Criteria: ACMG Guidelines, 2015. Collection method: clinical testing. Allele origin: germline.
Comment: The SEMA3G c.1945G>A variant is predicted to result in the amino acid substitution p.Asp649Asn. To our knowledge, this variant has not been reported in the literature. This variant is reported in 0.0080% of alleles in individuals of African descent in gnomAD. At this time, the clinical significance of this variant is uncertain due to the absence of conclusive functional and genetic evidence.

Ambry Genetics
Classification: Uncertain significance. Last evaluated: 2023-05-24. Review status: criteria provided, single submitter. Criteria: Ambry Variant Classification Scheme 2023. Collection method: clinical testing. Allele origin: germline.

NM_020163.3(SEMA3G):c.1945G>A (p.Asp649Asn)

Gene: SEMA3G (semaphorin 3G; minus strand). Cytogenetic location: 3p21.1.
Variant type: single nucleotide variant.
Coding change: c.1945G>A on transcript NM_020163.3 (MANE Select); coding-DNA position 1945, G replaced by A.
Protein change: p.Asp649Asn; replaces aspartic acid 649 with asparagine.
Molecular consequence: missense variant.
Genome position (GRCh38, 1-based): chr3:52,436,007, C>T on the plus strand (G>A on the coding strand, the complement: SEMA3G is on the minus strand). VCF-style: chr3-52436007-C-T. GRCh37 (hg19) VCF-style: chr3-52470023-C-T.
Other names: c.1945G>A (NM_020163.2); short protein forms D649N.
Identifiers: ClinVar variation 2561046 (VCV002561046.4), dbSNP rs761552999, ClinGen allele CA2437750.
Genomic context (GRCh38, chr3:52,436,007, plus strand): 5'-GGCGGACCACAGTCTGGGAGAAGCCATGCTCCAGAGTGGTGCAGGTGTAGGTGCCCGCAT[C>T]GAAACGGCTAAGCCTGCGGAACAGCAGCCCCCGCTCCGTGTGCAAGACTCGCTCGTCCGT-3'
Protein context (NP_064548.1, residues 639-659): GLLFRRLSRF[Asp649Asn]AGTYTCTTLE